The following is an entry in ClinVar:

ClinVar aggregate classification (germline): Uncertain significance (1 of 4 stars; one submission).

Conditions:
Ehlers-Danlos syndrome, classic type, 1 (EDSCL1). Also called: EHLERS-DANLOS SYNDROME, GRAVIS TYPE; EHLERS-DANLOS SYNDROME, SEVERE CLASSIC TYPE; Ehlers-Danlos syndrome, type 1; EDS I; Ehlers-Danlos Syndrome, Classic Type, COL5A1-Related. Identifiers: MedGen C0268335, MONDO:0019567, OMIM 130000.

Submission:

Labcorp Genetics (formerly Invitae), Labcorp
Classification: Uncertain significance for Ehlers-Danlos syndrome, classic type, 1. Last evaluated: 2022-07-25. Review status: criteria provided, single submitter. Criteria: Invitae Variant Classification Sherloc (09022015). Collection method: clinical testing. Allele origin: germline.
Comment: In summary, the available evidence is currently insufficient to determine the role of this variant in disease. Therefore, it has been classified as a Variant of Uncertain Significance. Variants that disrupt the consensus splice site are a relatively common cause of aberrant splicing (PMID: 17576681, 9536098). Algorithms developed to predict the effect of sequence changes on RNA splicing suggest that this variant may disrupt the consensus splice site. This variant has not been reported in the literature in individuals affected with COL5A2-related conditions. This variant is not present in population databases (gnomAD no frequency). This sequence change falls in intron 22 of the COL5A2 gene. It does not directly change the encoded amino acid sequence of the COL5A2 protein. It affects a nucleotide within the consensus splice site.

Literature cited by the submitters: PubMed 17576681; PubMed 9536098.

NM_000393.5(COL5A2):c.1456-3C>G

Gene: COL5A2 (collagen type V alpha 2 chain; minus strand). Cytogenetic location: 2q32.2.
Variant type: single nucleotide variant.
Coding change: c.1456-3C>G on transcript NM_000393.5 (MANE Select); 3 bases into the intron before coding-DNA position 1456, C replaced by G.
Molecular consequence: intron variant.
Genome position (GRCh38, 1-based): chr2:189,066,500, G>C on the plus strand (C>G on the coding strand, the complement: COL5A2 is on the minus strand). VCF-style: chr2-189066500-G-C. GRCh37 (hg19) VCF-style: chr2-189931226-G-C.
Identifiers: ClinVar variation 2054123 (VCV002054123.4), dbSNP rs1372167655, ClinGen allele CA2580065373.